The following is an entry in ClinVar:

ClinVar aggregate classification (germline): Likely benign (0 of 4 stars; one submission).

Conditions:
GRK1-related disorder. Also called: GRK1-related condition.

Allele frequency attached by ClinVar (database versions not stated): gnomAD exomes below 0.00001.
gnomAD v4.1: 1 of 1,613,598 alleles (0.000062%); highest among the groups gnomAD compares: African/African-American, 0.0013%; no homozygotes.

Submission:

PreventionGenetics, part of Exact Sciences
Classification: Likely benign for GRK1-related condition. Last evaluated: 2019-03-25. Review status: no assertion criteria provided. Collection method: clinical testing. Allele origin: germline.
Comment: This variant is classified as likely benign based on ACMG/AMP sequence variant interpretation guidelines (Richards et al. 2015 PMID: 25741868, with internal and published modifications).

NM_002929.3(GRK1):c.264C>T (p.Leu88=)

Gene: GRK1 (G protein-coupled receptor kinase 1; plus strand). Cytogenetic location: 13q34.
Variant type: single nucleotide variant.
Coding change: c.264C>T on transcript NM_002929.3 (MANE Select); coding-DNA position 264, C replaced by T.
Protein change: p.Leu88=; no amino-acid change (leucine 88 retained).
Molecular consequence: synonymous variant.
Genome position (GRCh38, 1-based): chr13:113,667,650, C>T. VCF-style: chr13-113667650-C-T. GRCh37 (hg19) VCF-style: chr13-114321965-C-T.
Identifiers: ClinVar variation 3058671 (VCV003058671.2), dbSNP rs2049827725, ClinGen allele CA485434833.
Genomic context (GRCh38, chr13:113,667,650, plus strand): 5'-CAAGAAGCTCTTTCAGCAGTTCCTACAATCGGCAGAGAAGCACCTGCCGGCCCTGGAGCT[C>T]TGGAAAGACATCGAGGACTATGACACGGCAGACAATGACCTCCAGCCACAGAAGGCCCAG-3'
Protein context (NP_002920.1, residues 78-98): SAEKHLPALE[Leu88=]WKDIEDYDTA